The following is an entry in ClinVar:

ClinVar aggregate classification (germline): Pathogenic/Likely pathogenic. Review status: criteria provided, multiple submitters, no conflicts (2 of 4 stars). 19 submissions from 19 submitters: Pathogenic (14); Likely pathogenic (1). 4 of the submissions do not count toward it. Last evaluated 2026-06-01.

Conditions:
MYL2-related disorder. Also called: MYL2-related disorders; MYL2-related condition; MYL2-related disease.
Cardiovascular phenotype. Identifiers: MedGen CN230736.
Cardiomyopathy (CMYO). Also called: Cardiomyopathies. Identifiers: Orphanet 167848, MedGen C0878544, MONDO:0004994, HP:0001638. Inheritance: Various modes of inheritance.
Hypertrophic cardiomyopathy 10. Also called: MYL2-Related Familial Hypertrophic Cardiomyopathy; CARDIOMYOPATHY, HYPERTROPHIC, MID-LEFT VENTRICULAR CHAMBER TYPE, 2. Identifiers: MedGen C1834460, MONDO:0012112, OMIM 608758.
Hypertrophic cardiomyopathy. Also called: HYPERTROPHIC MYOCARDIOPATHY. Identifiers: Orphanet 217569, MedGen C0007194, MeSH D002312, MONDO:0005045, HP:0001639.

Allele frequency attached by ClinVar (database versions not stated): gnomAD exomes 0.00001 and below 0.00001; ExAC 0.00001.
gnomAD v4.1: 3 of 1,613,140 alleles (0.00019%); no homozygotes.

Submissions 1 to 6 of 19:

PreventionGenetics, part of Exact Sciences
Classification: Pathogenic for MYL2-related condition. Last evaluated: 2026-06-01. Review status: criteria provided, single submitter. Criteria: ACMG Guidelines, 2015. Collection method: clinical testing. Allele origin: germline.
Comment: The MYL2 c.173G>A variant is predicted to result in the amino acid substitution p.Arg58Gln. This variant has been repeatedly reported to be causative for hypertrophic cardiomyopathy (see examples: Flavigny et al. 1998. PubMed ID: 9535554; Szczesna et al. 2000. PubMed ID: 11102452; Walsh et al. 2016. PubMed ID: 27532257). In vitro and in vivo functional studies have consistently demonstrated that expression of this variant results in altered protein function by abolishing calcium binding and increased calcium sensitivity (Wang et al. 2006. PubMed ID: 16837010; Mettikolla et al. 2011. PubMed ID: 21723297) This variant is reported in 0.0092% of alleles in individuals of European (Finnish) descent in gnomAD and is classified as pathogenic in the ClinVar database (Variation ID: 14067). Additionally, a different missense change impacting the same amino acid (c.173G>T, p.Arg58Leu) has been reported in individuals with hypertrophic cardiomyopathy (Table S1, Bos et al. 2014. PubMed ID: 24793961). This variant is interpreted as pathogenic.

Institute of Medical Genetics and Applied Genomics, University Hospital Tübingen
Classification: Pathogenic for Hypertrophic cardiomyopathy 10. Last evaluated: 2026-05-22. Review status: criteria provided, single submitter. Criteria: ACMG Guidelines, 2015. Collection method: clinical testing. Allele origin: germline. Inheritance: Autosomal dominant inheritance. Affected: yes.

Labcorp Genetics (formerly Invitae), Labcorp
Classification: Pathogenic for Hypertrophic cardiomyopathy 10. Last evaluated: 2026-01-26. Review status: criteria provided, single submitter. Criteria: Invitae Variant Classification Sherloc (09022015). Collection method: clinical testing. Allele origin: germline.
Comment: This sequence change replaces arginine, which is basic and polar, with glutamine, which is neutral and polar, at codon 58 of the MYL2 protein (p.Arg58Gln). This variant is present in population databases (rs104894369, gnomAD 0.009%). This missense change has been observed in individuals with hypertrophic cardiomyopathy (PMID: 9535554, 12404107, 12818575, 23283745, 24111713). ClinVar contains an entry for this variant (Variation ID: 14067). An algorithm developed to predict the effect of missense changes on protein structure and function (PolyPhen-2) suggests that this variant is likely to be disruptive. Experimental studies have shown that this missense change affects MYL2 function (PMID: 14594949, 19150977, 20855589, 21723297, 23727233, 26116789). For these reasons, this variant has been classified as Pathogenic.

3billion
Classification: Pathogenic for Hypertrophic cardiomyopathy 10. Last evaluated: 2025-08-28. Review status: criteria provided, single submitter. Criteria: ACMG Guidelines, 2015. Collection method: clinical testing. Allele origin: germline. Affected: yes.
Comment: The variant is observed at an extremely low frequency in the gnomAD v4.1.0 dataset (total allele frequency: <0.001%). Predicted Consequence/Location: Missense variant Functional studies provide supporting evidence of the variant having a damaging effect on the gene or gene product (PMID: 14594949, 19150977). In silico tool predictions suggest damaging effect of the variant on gene or gene product [REVEL: 0.57 (>=0.6, sensitivity 0.68 and specificity 0.92); 3Cnet: 0.90 (> 0.75, sensitivity 0.96 and precision 0.92)]. The same nucleotide change resulting in the same amino acid change has been previously reported as pathogenic/likely pathogenic with strong evidence (ClinVar ID: VCV000014067 /PMID: 9535554 /3billion dataset). A different missense change at the same codon (p.Arg58Leu) has been reported as pathogenic/likely pathogenic with strong evidence (ClinVar ID: VCV000532778 /PMID: 24793961). Therefore, this variant is classified as Pathogenic according to the recommendation of ACMG/AMP guideline.

Ambry Genetics
Classification: Pathogenic for Cardiovascular phenotype. Last evaluated: 2025-07-03. Review status: criteria provided, single submitter. Criteria: Ambry Variant Classification Scheme 2023. Collection method: clinical testing. Allele origin: germline.
Comment: The p.R58Q pathogenic mutation (also known as c.173G>A), located in coding exon 4 of the MYL2 gene, results from a G to A substitution at nucleotide position 173. The arginine at codon 58 is replaced by glutamine, an amino acid with highly similar properties. This alteration has been reported in multiple individuals with hypertrophic cardiomyopathy (HCM) or from HCM cohorts (Flavigny J et al. J. Mol. Med., 1998 Mar;76:208-14; Kabaeva ZT et al. Eur. J. Hum. Genet., 2002 Nov;10:741-8; Richard P et al. Circulation, 2003 May;107:2227-32; M&ouml;rner S et al. J. Mol. Cell. Cardiol., 2003 Jul;35:841-9; Lopes LR et al. Heart, 2015 Feb;101:294-301; Walsh R et al. Genet Med . 2017 02;19(2):192-203; Yin K et al. Mol Genet Genomics. 2019 Oct;294(5):1241-1249; Burstein DS et al. Pediatr Res. 2021 05;89(6):1470-1476). This variant has been reported to segregate with HCM in several affected members from different families (Flavigny J et al. J. Mol. Med., 1998 Mar;76:208-14; M&ouml;rner S et al. J. Mol. Cell. Cardiol., 2003 Jul;35:841-9; Yin K et al. Mol Genet Genomics. 2019 Oct;294(5):1241-1249). In addition, a number of in vitro studies suggested that this variant would abolish calcium binding and alter the contraction kinetics of cardiac muscle (Szczesna D et al. J. Biol. Chem., 2001 Mar;276:7086-92; Greenberg MJ et al. J. Mol. Cell. Cardiol., 2009 Jan;46:108-15; Greenberg MJ et al. Proc. Natl. Acad. Sci. U.S.A., 2010 Oct;107:17403-8; Wang Y et al. J. Mol. Biol., 2006 Aug;361:286-99; Mettikolla P et al. J. Theor. Biol., 2011 Sep;284:71-81; Wang L et al. J. Mol. Cell. Cardiol., 2013 Sep;62:153-63). Based on the supporting evidence, this alteration is interpreted as a disease-causing mutation.

Illumina Laboratory Services, Illumina
Classification: Pathogenic for Hypertrophic cardiomyopathy 10. Last evaluated: 2024-04-30. Review status: criteria provided, single submitter. Criteria: ICSLVariantClassificationCriteria RUGD 01 April 2020. Collection method: clinical testing. Allele origin: unknown.
Comment: The MYL2 c.173G>A p.(Arg58Gln) missense variant has been identified in individuals with a phenotype consistent with hypertrophic cardiomyopathy (PMID: 9535554; 12404107; 12818575; 24111713). This variant has been shown to segregate with disease across multiple families (PMID: 9535554; 12818575). Functional studies conducted in non-human animal models demonstrated that this variant impacts protein function (PMID: 16837010; 19150977). This variant is not observed at a significant frequency in version 2.1.1 or version 4.1.0 of the Genome Aggregation Database. Based on the available evidence, this variant is classified as pathogenic for hypertrophic cardiomyopathy.

NM_000432.4(MYL2):c.173G>A (p.Arg58Gln)

Gene: MYL2 (myosin light chain 2; minus strand). Cytogenetic location: 12q24.11.
Variant type: single nucleotide variant.
Coding change: c.173G>A on transcript NM_000432.4 (MANE Select); coding-DNA position 173, G replaced by A.
Protein change: p.Arg58Gln; replaces arginine 58 with glutamine.
Molecular consequence: missense variant.
Genome position (GRCh38, 1-based): chr12:110,914,287, C>T on the plus strand (G>A on the coding strand, the complement: MYL2 is on the minus strand). VCF-style: chr12-110914287-C-T. GRCh37 (hg19) VCF-style: chr12-111352091-C-T.
Other names: p.R58Q:CGA>CAA; short protein forms R58Q.
Identifiers: ClinVar variation 14067 (VCV000014067.47), dbSNP rs104894369, ClinGen allele CA009915.
Genomic context (GRCh38, chr12:110,914,287, plus strand): 5'-TTAATTGGACCCGGAGCCTCCTTGATCATTTCATCAATTTCTTCATTTTTCACGTTCACT[C>T]GCCCTAGGGTAGGAAACACACACTCAGGGACTCCGAGCTGGGGAGAAAGAACCATTATGA-3'
Protein context (NP_000423.2, residues 48-68): DLRDTFAALG[Arg58Gln]VNVKNEEIDE